The following is an entry in ClinVar:

ClinVar aggregate classification (germline): Pathogenic/Likely pathogenic. Review status: criteria provided, multiple submitters, no conflicts (2 of 4 stars). 5 submissions from 5 submitters: Pathogenic (4); Likely pathogenic (1). Last evaluated 2024-10-30.

Conditions:
Long QT syndrome 2 (LQT2). Identifiers: Orphanet 101016, Orphanet 768, MedGen C3150943, MONDO:0013367, OMIM 613688.
Cardiovascular phenotype. Identifiers: MedGen CN230736.
Long QT syndrome (LQTS). Identifiers: MedGen C0023976, MeSH D008133, MONDO:0002442. Disease mechanism: loss of function. Inheritance: Various modes of inheritance.

Submissions (5):

Labcorp Genetics (formerly Invitae), Labcorp
Classification: Pathogenic for Long QT syndrome. Last evaluated: 2024-10-30. Review status: criteria provided, single submitter. Criteria: Invitae Variant Classification Sherloc (09022015). Collection method: clinical testing. Allele origin: germline.
Comment: This sequence change creates a premature translational stop signal (p.Leu380Argfs*54) in the KCNH2 gene. It is expected to result in an absent or disrupted protein product. Loss-of-function variants in KCNH2 are known to be pathogenic (PMID: 10973849, 19862833). This variant is not present in population databases (gnomAD no frequency). This premature translational stop signal has been observed in individual(s) with clinical features of long QT syndrome (PMID: 19716085). This variant is also known as c.1139delT (p.S379fs+53X*). ClinVar contains an entry for this variant (Variation ID: 632866). For these reasons, this variant has been classified as Pathogenic.

GeneDx
Classification: Likely pathogenic. Last evaluated: 2023-01-09. Review status: criteria provided, single submitter. Criteria: GeneDx Variant Classification Process June 2021. Collection method: clinical testing. Allele origin: germline. Affected: yes.
Comment: Reported in association with LQTS in published literature (Kapplinger et al., 2009); Not observed at significant frequency in large population cohorts (gnomAD); Frameshift variant predicted to result in protein truncation or nonsense mediated decay in a gene for which loss-of-function is a known mechanism of disease; This variant is associated with the following publications: (PMID: 19841300, 20850565, 19716085)

MVZ Martinsried, Medicover Genetics
Classification: Pathogenic for Long QT syndrome 2. Last evaluated: 2019-12-06. Review status: criteria provided, single submitter. Criteria: ACMG Guidelines, 2015. Collection method: clinical testing. Allele origin: unknown. Affected: yes.

Women's Health and Genetics/Laboratory Corporation of America, LabCorp
Classification: Pathogenic for Long QT syndrome. Last evaluated: 2018-05-08. Review status: criteria provided, single submitter. Criteria: LabCorp Variant Classification Summary - May 2015. Collection method: clinical testing. Allele origin: germline.
Comment: Variant summary: KCNH2 c.1139delT (p.Leu380ArgfsX54) results in a premature termination codon, predicted to cause a truncation of the encoded protein or absence of the protein due to nonsense mediated decay, which are commonly known mechanisms for disease. The variant was absent in 247918 control chromosomes (gnomAD and publications). The variant, c.1139delT, has been reported in the literature in multiple individuals affected with Long QT Syndrome (Kapplinger_2009, Kim_2010). These data indicate that the variant is very likely to be associated with disease. To our knowledge, no experimental evidence demonstrating an impact on protein function has been reported. No clinical diagnostic laboratories have submitted clinical-significance assessments for this variant to ClinVar after 2014. Based on the evidence outlined above, the variant was classified as pathogenic.

Ambry Genetics
Classification: Pathogenic for Cardiovascular phenotype. Last evaluated: 2017-04-27. Review status: criteria provided, single submitter. Criteria: Ambry Variant Classification Scheme 2023. Collection method: clinical testing. Allele origin: germline.
Comment: The c.1139delT pathogenic mutation, located in coding exon 6 of the KCNH2 gene, results from a deletion of one nucleotide at nucleotide position 1139, causing a translational frameshift with a predicted alternate stop codon (p.L380Rfs*54). In a study of long QT syndrome clinical genetic testing, this alteration was reported in one patient; however, clinical details were limited (Kapa S et al. Circulation. 2009;120(18):1752-60; Kapplinger JD et al. Heart Rhythm. 2009;6:1297-303). This alteration is expected to result in loss of function by premature protein truncation or nonsense-mediated mRNA decay. As such, this alteration is interpreted as a disease-causing mutation.

Literature cited by the submitters: PubMed 10973849 (cited by Labcorp Genetics (formerly Invitae), Labcorp); PubMed 19862833 (cited by Labcorp Genetics (formerly Invitae), Labcorp); PubMed 19716085 (cited by 3 submitters); PubMed 20850565 (cited by Women's Health and Genetics/Laboratory Corporation of America, LabCorp); PubMed 19841300 (cited by Women's Health and Genetics/Laboratory Corporation of America, LabCorp and Ambry Genetics).

NM_000238.4(KCNH2):c.1139del (p.Leu380fs)

Gene: KCNH2 (potassium voltage-gated channel subfamily H member 2; minus strand). Cytogenetic location: 7q36.1.
Variant type: Deletion.
Coding change: c.1139del on transcript NM_000238.4 (MANE Select); coding-DNA position 1139, one base deleted (T; older notation c.1139delT).
Protein change: p.Leu380fs; shifts the reading frame from leucine 380.
Molecular consequence: frameshift variant.
Genome position (GRCh38, 1-based): chr7:150,952,843, A deleted on the plus strand (T on the coding strand, the reverse complement: KCNH2 is on the minus strand). VCF-style (leftmost placement, unchanged base first): chr7-150952842-CA-C. GRCh37 (hg19) VCF-style: chr7-150649930-CA-C.
Other names: c.1139delT (NM_000238.2, NM_000238.4); c.119del, p.Leu40fs (NM_001204798.2, NM_172057.3); c.851delT, p.Leu284Argfs (NM_001406753.1, NM_001406756.1); c.962delT, p.Leu321Argfs (NM_001406755.1); c.839delT, p.Leu280Argfs (NM_001406757.1); c.1139delT, p.Leu380Argfs (NM_172056.3); short protein forms L380fs, L40fs.
Identifiers: ClinVar variation 632866 (VCV000632866.12), dbSNP rs1563161538, ClinGen allele CA913189899.